The following is an entry in ClinVar:

NM_015693.4(INTU):c.576del (p.Lys193fs)

Gene: INTU (inturned planar cell polarity protein; plus strand). Cytogenetic location: 4q28.1.
Variant type: Deletion.
Coding change: c.576del on transcript NM_015693.4 (MANE Select); coding-DNA position 576, one base deleted (C; older notation c.576delC).
Protein change: p.Lys193fs; shifts the reading frame from lysine 193.
Molecular consequence: frameshift variant.
Genome position (GRCh38, 1-based): chr4:127,643,950, C deleted; the last of 2 consecutive C bases (chr4:127,643,949-127,643,950); deleting either gives the same sequence. VCF-style (leftmost placement, unchanged base first): chr4-127643948-AC-A. GRCh37 (hg19) VCF-style: chr4-128565103-AC-A.
Other names: short protein forms K193fs.
Identifiers: ClinVar variation 3255222 (VCV003255222.1), dbSNP rs2530892886.

ClinVar aggregate classification (germline): Pathogenic (1 of 4 stars; one submission).

Conditions:
Orofaciodigital syndrome 17. Also called: OROFACIODIGITAL SYNDROME XVII; OFDS XVII; ORAL-FACIAL-DIGITAL SYNDROME, TYPE XVII. Identifiers: MedGen C4693640, MONDO:0033375, OMIM 617926.

Submission:

Victorian Clinical Genetics Services, Murdoch Childrens Research Institute
Classification: Pathogenic for Orofaciodigital syndrome 17. Last evaluated: 2023-07-17. Review status: criteria provided, single submitter. Criteria: ACMG Guidelines, 2015. Collection method: clinical testing. Allele origin: germline. Inheritance: Autosomal recessive inheritance. Affected: no.
Comment: Based on the classification scheme VCGS_Germline_v1.3.4, this variant is classified as Pathogenic. Following criteria are met: 0102 - Loss of function is a likely mechanism of disease in this gene and is associated with orofaciodigital syndrome XVII (MIM#617926) and short-rib thoracic dysplasia 20 with polydactyly (MIM#617925). (I) 0106 - This gene is associated with autosomal recessive disease. (I) 0201 - Variant is predicted to cause nonsense-mediated decay (NMD) and loss of protein (premature termination codon is located at least 54 nucleotides upstream of the final exon-exon junction). (SP) 0251 - This variant is heterozygous. (I) 0301 - Variant is absent from gnomAD (both v2 and v3). (SP) 0702 - Other NMD-predicted variants or copy number variants comparable to the one identified in this case have strong previous evidence for pathogenicity. These variants have been reported as likely pathogenic and pathogenic, and observed in compound heterozygous or homozygous individuals with orofaciodigital syndrome (ClinVar, PMID: 34623732, PMID: 29451301). Additional comparable variants have been reported as variants of uncertain significance, with little clinical information (ClinVar, Invitae). (SP) 0807 - This variant has no previous evidence of pathogenicity. (I) 0905 - No published segregation evidence has been identified for this variant. (I) 1007 - No published functional evidence has been identified for this variant. (I) 1207 - Parental origin of the variant is unresolved. (I) Legend: (SP) - Supporting pathogenic, (I) - Information, (SB) - Supporting benign

Literature cited by the submitters: PubMed 29451301; PubMed 34623732.